The following is an entry in ClinVar:

ClinVar aggregate classification (germline): Uncertain significance (1 of 4 stars; one submission).

Conditions:
Desmin-related myofibrillar myopathy (MFM1). Also called: MYOFIBRILLAR MYOPATHY WITH ARRHYTHMOGENIC RIGHT VENTRICULAR CARDIOMYOPATHY; DESMIN-RELATED MYOPATHY WITH ARRHYTHMOGENIC RIGHT VENTRICULAR CARDIOMYOPATHY; Myofibrillar myopathy 1; Desminopathy; Desmin related myopathy (former name); Desmin storage myopathy (former name). Identifiers: Orphanet 363543, Orphanet 98909, MedGen C1832370, MONDO:0011076, OMIM 601419.

Submission:

Labcorp Genetics (formerly Invitae), Labcorp
Classification: Uncertain significance for Desmin-related myofibrillar myopathy. Last evaluated: 2023-09-15. Review status: criteria provided, single submitter. Criteria: Invitae Variant Classification Sherloc (09022015). Collection method: clinical testing. Allele origin: germline.
Comment: In summary, the available evidence is currently insufficient to determine the role of this variant in disease. Therefore, it has been classified as a Variant of Uncertain Significance. Advanced modeling of protein sequence and biophysical properties (such as structural, functional, and spatial information, amino acid conservation, physicochemical variation, residue mobility, and thermodynamic stability) has been performed at Invitae for this missense variant, however the output from this modeling did not meet the statistical confidence thresholds required to predict the impact of this variant on DES protein function. This variant has not been reported in the literature in individuals affected with DES-related conditions. This variant is not present in population databases (gnomAD no frequency). This sequence change replaces asparagine, which is neutral and polar, with lysine, which is basic and polar, at codon 206 of the DES protein (p.Asn206Lys).

NM_001927.4(DES):c.618C>A (p.Asn206Lys)

Gene: DES (desmin; plus strand). Cytogenetic location: 2q35.
Variant type: single nucleotide variant.
Coding change: c.618C>A on transcript NM_001927.4 (MANE Select); coding-DNA position 618, C replaced by A.
Protein change: p.Asn206Lys; replaces asparagine 206 with lysine.
Molecular consequence: missense variant. On other transcripts: intron variant (1).
Genome position (GRCh38, 1-based): chr2:219,420,134, C>A. VCF-style: chr2-219420134-C-A. GRCh37 (hg19) VCF-style: chr2-220284856-C-A.
Other names: c.618C>A, p.Asn206Lys (NM_001382710.1, NM_001382711.1, NM_001382712.1 and 2 more transcripts); c.496-391C>A (NM_001382713.1); short protein forms N206K.
Identifiers: ClinVar variation 2928697 (VCV002928697.3), dbSNP rs1954406437, ClinGen allele CA350689933.